The following is an entry in ClinVar:

NM_001165963.4(SCN1A):c.2834T>C (p.Phe945Ser)

Gene: SCN1A (sodium voltage-gated channel alpha subunit 1; minus strand). Cytogenetic location: 2q24.3.
Variant type: single nucleotide variant.
Coding change: c.2834T>C on transcript NM_001165963.4 (MANE Select); coding-DNA position 2834, T replaced by C.
Protein change: p.Phe945Ser; replaces phenylalanine 945 with serine.
Molecular consequence: missense variant. On other transcripts: non-coding transcript variant (1).
Genome position (GRCh38, 1-based): chr2:166,037,888, A>G on the plus strand (T>C on the coding strand, the complement: SCN1A is on the minus strand). VCF-style: chr2-166037888-A-G. GRCh37 (hg19) VCF-style: chr2-166894398-A-G.
Other names: c.2750T>C, p.Phe917Ser (NM_001165964.3, NM_001353957.2, NM_001353958.2); c.2834T>C, p.Phe945Ser (NM_001202435.3, NM_001353948.2); c.2801T>C, p.Phe934Ser (NM_001353949.2, NM_001353950.2, NM_001353951.2 and 2 more transcripts); c.2798T>C, p.Phe933Ser (NM_001353954.2, NM_001353955.2); c.2747T>C, p.Phe916Ser (NM_001353960.2); c.392T>C, p.Phe131Ser (NM_001353961.2); short protein forms F131S, F916S, F917S, F933S, F934S, F945S.
Identifiers: ClinVar variation 4887037 (VCV004887037.1).
Genomic context (GRCh38, chr2:166,037,888, plus strand): 5'-TGACCAGCAACCTCCATACAGTCCCACATGGTCTCTATCCACTCCCCACACAGCACGCGG[A>G]ACACAATCAGGAAGGAGTGGAAGAAGTCATTCATGTGCCAGCGTGGGAGTTGACAATCAC-3'
Protein context (NP_001159435.1, residues 935-955): NDFFHSFLIV[Phe945Ser]RVLCGEWIET

ClinVar aggregate classification (germline): Uncertain significance (1 of 4 stars; one submission).

Conditions:
Severe myoclonic epilepsy in infancy (DRVT). Also called: DEVELOPMENTAL AND EPILEPTIC ENCEPHALOPATHY 6A; Severe Myoclonic Epilepsy in Infancy (SMEI); SEVERE MYOCLONIC EPILEPSY OF INFANCY; Dravet syndrome; Epileptic encephalopathy, early infantile, 6 (Dravet syndrome). Identifiers: Orphanet 33069, MedGen C0751122, MONDO:0100135, OMIM 607208.

Submission:

MVZ Medizinische Genetik Mainz
Classification: Uncertain significance for Severe myoclonic epilepsy in infancy. Last evaluated: 2026-07-29. Review status: criteria provided, single submitter. Criteria: UK Practice Guidelines For Variant Classification V4 01 2020. Collection method: clinical testing. Allele origin: germline. Inheritance: Autosomal dominant inheritance. Affected: yes. Observed: 1 variant allele.
Comment: ACMG Criteria: PM5,PP3_MOD,PM2_SUP